The following is an entry in ClinVar:

ClinVar aggregate classification (germline): Uncertain significance (0 of 4 stars; one submission).

Conditions:
SEMA3B-related disorder. Also called: SEMA3B-related condition.

Submission:

PreventionGenetics, part of Exact Sciences
Classification: Uncertain significance for SEMA3B-related condition. Last evaluated: 2024-03-22. Review status: no assertion criteria provided. Collection method: clinical testing. Allele origin: germline.
Comment: The SEMA3B c.1094G>A variant is predicted to result in the amino acid substitution p.Gly365Glu. To our knowledge, this variant has not been reported in the literature or in a large population database, indicating this variant is rare. At this time, the clinical significance of this variant is uncertain due to the absence of conclusive functional and genetic evidence.

NM_001290060.2(SEMA3B):c.1079G>A (p.Gly360Glu)

Gene: SEMA3B (semaphorin 3B; plus strand). Cytogenetic location: 3p21.31.
Variant type: single nucleotide variant.
Coding change: c.1079G>A on transcript NM_001290060.2 (MANE Select); coding-DNA position 1079, G replaced by A.
Protein change: p.Gly360Glu; replaces glycine 360 with glutamic acid.
Molecular consequence: missense variant.
Genome position (GRCh38, 1-based): chr3:50,273,999, G>A. VCF-style: chr3-50273999-G-A. GRCh37 (hg19) VCF-style: chr3-50311430-G-A.
Other names: c.1076G>A, p.Gly359Glu (NM_001005914.3); c.1094G>A, p.Gly365Glu (NM_001290061.1); c.50G>A, p.Gly17Glu (NM_001290062.2, NM_001290063.2); c.1079G>A, p.Gly360Glu (NM_004636.4); short protein forms G17E, G359E, G360E, G365E.
Identifiers: ClinVar variation 3356211 (VCV003356211.1).